The following is an entry in ClinVar:

ClinVar aggregate classification (germline): Uncertain significance (1 of 4 stars; one submission).

gnomAD v4.1: 1 of 1,613,576 alleles (0.000062%); highest among the groups gnomAD compares: Non-Finnish European, 0.000085%; no homozygotes.

Submission:

CeGaT Center for Human Genetics Tuebingen
Classification: Uncertain significance. Last evaluated: 2026-06-01. Review status: criteria provided, single submitter. Criteria: CeGaT Center For Human Genetics Tuebingen Variant Classification Criteria Version 2. Collection method: clinical testing. Allele origin: germline. Affected: yes. Observed: 1 variant allele.
Comment: SFXN4: PM2

NM_213649.2(SFXN4):c.186A>G (p.Ile62Met)

Gene: SFXN4 (sideroflexin 4; minus strand). Cytogenetic location: 10q26.11.
Variant type: single nucleotide variant.
Coding change: c.186A>G on transcript NM_213649.2 (MANE Select); coding-DNA position 186, A replaced by G.
Protein change: p.Ile62Met; replaces isoleucine 62 with methionine.
Molecular consequence: missense variant. On other transcripts: non-coding transcript variant (1).
Genome position (GRCh38, 1-based): chr10:119,162,406, T>C on the plus strand (A>G on the coding strand, the complement: SFXN4 is on the minus strand). VCF-style: chr10-119162406-T-C. GRCh37 (hg19) VCF-style: chr10-120921918-T-C.
Other names: short protein forms I62M.
Identifiers: ClinVar variation 4875168 (VCV004875168.2).